The following is an entry in ClinVar:

ClinVar aggregate classification (germline): Pathogenic. Review status: criteria provided, multiple submitters, no conflicts (2 of 4 stars). 2 submissions from 2 submitters: Pathogenic (2). Last evaluated 2025-12-10.

Submissions (2):

Labcorp Genetics (formerly Invitae), Labcorp
Classification: Pathogenic. Last evaluated: 2025-12-10. Review status: criteria provided, single submitter. Criteria: Invitae Variant Classification Sherloc (09022015). Collection method: clinical testing. Allele origin: germline.
Comment: This variant, c.1727_1738del, is a complex sequence change that results in the deletion of 5 and insertion of 1 amino acid(s) in the PHEX protein (p.Val576_His580delinsAsp). This variant is not present in population databases (gnomAD no frequency). This variant has been observed in individual(s) with hypophosphatemic rickets (PMID: 21050253, 30682568; internal data). ClinVar contains an entry for this variant (Variation ID: 372776). This variant disrupts a region of the PHEX protein in which other variant(s) (p.Gly579Arg) have been determined to be pathogenic (PMID: 9097956, 9199930, 18625346, 29858904). This suggests that this is a clinically significant region of the protein, and that variants that disrupt it are likely to be disease-causing. For these reasons, this variant has been classified as Pathogenic.

GeneDx
Classification: Pathogenic. Last evaluated: 2018-03-27. Review status: criteria provided, single submitter. Criteria: GeneDx Variant Classification (06012015). Collection method: clinical testing. Allele origin: germline. Affected: yes.
Comment: The c.1727_1738del12 variant in the PHEX gene has been reported previously in association with hypophosphatemic rickets (Ruppe et al., 2011). The variant, an in-frame deletion of 12 nucleotides, causes a deletion of 5 amino acids and replaces them with one incorrect Aspartic acid residue. This change is denoted as p.Val576_His580delinsD at the protein level. The variant is not observed in large population cohorts (Lek et al., 2016). In-silico analyses, including protein predictors and evolutionary conservation, support a deleterious effect. The lost residues include a catalytic site in a zinc binding motif as well as residues (G579R/V, H580P) which have been reported as mutated in the Human Gene Mutation Database in association with X-linked hypophosphatemic rickets (Stenson et al., 2014), supporting the functional importance of this region of the protein. In summary, we consider this variant to be pathogenic.

Literature cited by the submitters: PubMed 21050253 (cited by Labcorp Genetics (formerly Invitae), Labcorp); PubMed 30682568 (cited by Labcorp Genetics (formerly Invitae), Labcorp); PubMed 9097956 (cited by Labcorp Genetics (formerly Invitae), Labcorp); PubMed 9199930 (cited by Labcorp Genetics (formerly Invitae), Labcorp); PubMed 18625346 (cited by Labcorp Genetics (formerly Invitae), Labcorp); PubMed 29858904 (cited by Labcorp Genetics (formerly Invitae), Labcorp).

NM_000444.6(PHEX):c.1727_1738del (p.Val576_His580delinsAsp)

Genes: PHEX (phosphate regulating endopeptidase X-linked; plus strand), PTCHD1-AS (PTCHD1 and PHEX antisense RNA; minus strand). Cytogenetic location: Xp22.11.
Variant type: Deletion.
Coding change: c.1727_1738del on transcript NM_000444.6 (MANE Select); coding-DNA positions 1727 to 1738, 12 bases deleted (TAATTGTCGGAC).
Protein change: p.Val576_His580delinsAsp.
Molecular consequence: inframe indel.
Genome position (GRCh38, 1-based): chrX:22,219,062-22,219,073, TAATTGTCGGAC deleted. VCF-style (leftmost placement, unchanged base first): chrX-22219061-GTAATTGTCGGAC-G. GRCh37 (hg19) VCF-style: chrX-22237178-GTAATTGTCGGAC-G.
Other names: c.1727_1738del, p.Val576_His580delinsAsp (NM_001282754.2).
Identifiers: ClinVar variation 372776 (VCV000372776.10), dbSNP rs1057517979, ClinGen allele CA16043234.